The following is an entry in ClinVar:

NM_001046.3(SLC12A2):c.520G>A (p.Gly174Ser)

Gene: SLC12A2 (solute carrier family 12 member 2; plus strand). Cytogenetic location: 5q23.3.
Variant type: single nucleotide variant.
Coding change: c.520G>A on transcript NM_001046.3 (MANE Select); coding-DNA position 520, G replaced by A.
Protein change: p.Gly174Ser; replaces glycine 174 with serine.
Molecular consequence: missense variant. On other transcripts: non-coding transcript variant (1).
Genome position (GRCh38, 1-based): chr5:128,084,474, G>A. VCF-style: chr5-128084474-G-A. GRCh37 (hg19) VCF-style: chr5-127420166-G-A.
Other names: c.520G>A, p.Gly174Ser (NM_001256461.2); short protein forms G174S.
Identifiers: ClinVar variation 2752351 (VCV002752351.3), dbSNP rs2480690604, ClinGen allele CA360736662.

ClinVar aggregate classification (germline): Uncertain significance (1 of 4 stars; one submission).

Allele frequency attached by ClinVar (database versions not stated): gnomAD exomes below 0.00001.
gnomAD v4.1: 1 of 1,608,612 alleles (0.000062%); highest among the groups gnomAD compares: African/African-American, 0.0013%; no homozygotes.

Submission:

Labcorp Genetics (formerly Invitae), Labcorp
Classification: Uncertain significance. Last evaluated: 2023-09-30. Review status: criteria provided, single submitter. Criteria: Invitae Variant Classification Sherloc (09022015). Collection method: clinical testing. Allele origin: germline.
Comment: In summary, the available evidence is currently insufficient to determine the role of this variant in disease. Therefore, it has been classified as a Variant of Uncertain Significance. Advanced modeling of protein sequence and biophysical properties (such as structural, functional, and spatial information, amino acid conservation, physicochemical variation, residue mobility, and thermodynamic stability) performed at Invitae indicates that this missense variant is not expected to disrupt SLC12A2 protein function. This variant has not been reported in the literature in individuals affected with SLC12A2-related conditions. This variant is not present in population databases (gnomAD no frequency). This sequence change replaces glycine, which is neutral and non-polar, with serine, which is neutral and polar, at codon 174 of the SLC12A2 protein (p.Gly174Ser).